The following is an entry in ClinVar:

NM_000045.4(ARG1):c.75A>C (p.Glu25Asp)

Genes: ARG1 (arginase 1; plus strand), MED23 (mediator complex subunit 23; minus strand). Cytogenetic location: 6q23.2.
Variant type: single nucleotide variant.
Coding change: c.75A>C on transcript NM_000045.4 (MANE Select); coding-DNA position 75, A replaced by C.
Protein change: p.Glu25Asp; replaces glutamic acid 25 with aspartic acid.
Molecular consequence: missense variant. On other transcripts: intron variant (2).
Genome position (GRCh38, 1-based): chr6:131,576,680, A>C. VCF-style: chr6-131576680-A-C. GRCh37 (hg19) VCF-style: chr6-131897820-A-C.
Other names: c.75A>C, p.Glu25Asp (NM_001244438.2, NM_001369020.1); c.4078-2385T>G (NM_001270521.2); c.4096-2385T>G (NM_015979.4); short protein forms E25D.
Identifiers: ClinVar variation 1806599 (VCV001806599.6), dbSNP rs755973004, ClinGen allele CA3999169.
Genomic context (GRCh38, chr6:131,576,680, plus strand): 5'-GGTCATGATAATGTCTGAAGTACTTTATTTTTTAATTGTTCAGCCACGAGGAGGGGTGGA[A>C]GAAGGCCCTACAGTATTGAGAAAGGCTGGTCTGCTTGAGAAACTTAAAGAACAAGGTAAT-3'
Protein context (NP_000036.2, residues 15-35): FSKGQPRGGV[Glu25Asp]EGPTVLRKAG

ClinVar aggregate classification (germline): Conflicting classifications of pathogenicity. Review status: criteria provided, conflicting classifications (1 of 4 stars). 2 submissions from 2 submitters: Uncertain significance (1); Likely benign (1). Last evaluated 2025-02-20.

Conditions:
Arginase deficiency. Also called: ARGININEMIA; ARG1 DEFICIENCY; Arginase 1 Deficiency. Identifiers: Orphanet 90, MedGen C0268548, MONDO:0008814, OMIM 207800.

gnomAD v4.1: 100 of 1,613,960 alleles (0.0062%); highest among the groups gnomAD compares: South Asian, 0.089%; 2 homozygotes.

Submissions (2):

Labcorp Genetics (formerly Invitae), Labcorp
Classification: Likely benign for Arginase deficiency. Last evaluated: 2025-02-20. Review status: criteria provided, single submitter. Criteria: Invitae Variant Classification Sherloc (09022015). Collection method: clinical testing. Allele origin: germline.

GeneDx
Classification: Uncertain significance. Last evaluated: 2022-06-23. Review status: criteria provided, single submitter. Criteria: GeneDx Variant Classification Process June 2021. Collection method: clinical testing. Allele origin: germline. Affected: yes.
Comment: In silico analysis supports that this missense variant does not alter protein structure/function; Has not been previously published as pathogenic or benign to our knowledge; This variant is associated with the following publications: (PMID: 29726057)